The following is an entry in ClinVar:

NM_000492.4(CFTR):c.1397C>A (p.Ser466Ter)

Genes: CFTR-AS1 (CFTR antisense RNA 1; minus strand), CFTR (CF transmembrane conductance regulator; plus strand). Cytogenetic location: 7q31.2.
Variant type: single nucleotide variant.
Coding change: c.1397C>A on transcript NM_000492.4 (MANE Select); coding-DNA position 1397, C replaced by A.
Protein change: p.Ser466Ter; replaces serine 466 with a stop codon.
Molecular consequence: nonsense.
Genome position (GRCh38, 1-based): chr7:117,559,468, C>A. VCF-style: chr7-117559468-C-A. GRCh37 (hg19) VCF-style: chr7-117199522-C-A.
Other names: short protein forms S466*.
Identifiers: ClinVar variation 53244 (VCV000053244.3), dbSNP rs121908805, ClinGen allele CA328085.

ClinVar aggregate classification (germline): Pathogenic. Review status: reviewed by expert panel (3 of 4 stars). 3 submissions from 3 submitters: Pathogenic (1). 2 of the submissions do not count toward it. Last evaluated 2017-03-17.

Conditions:
CFTR-related disorder (CFTR-RD). Also called: CFTR-related condition; CFTR-related disorders. Identifiers: MedGen C5924204, MONDO:7770004.
Cystic fibrosis (CF). Also called: MUCOVISCIDOSIS. Identifiers: Orphanet 586, MedGen C0010674, MONDO:0009061, OMIM 219700. Disease mechanism: loss of function.

Submissions (3):

CFTR2
Classification: Pathogenic for Cystic fibrosis. Last evaluated: 2017-03-17. Review status: reviewed by expert panel. Criteria: Sosnay PR et al. (Nat Genet 2013). Collection method: research. Allele origin: germline. Affected: yes. Study: CFTR2.

CFTR-France
Classification: Pathogenic for cystic fibrosis; CFTR-related disorders. Last evaluated: 2018-01-29. Review status: criteria provided, single submitter. Criteria: Claustres M et al. (Hum Mutat 2017). Collection method: curation. Allele origin: germline. Affected: yes. Not counted in ClinVar's aggregate classification.
Comment: the variant causes a phenotype but regarding our data, we can't formally attribute it to CF, CFTR-RD or both

Natera, Inc.
Classification: Pathogenic for CFTR-related disorders. Last evaluated: 2017-03-17. Review status: no assertion criteria provided. Collection method: clinical testing. Allele origin: germline. Not counted in ClinVar's aggregate classification.